The following is an entry in ClinVar:

ClinVar aggregate classification (germline): Uncertain significance. Review status: criteria provided, multiple submitters, no conflicts (2 of 4 stars). 2 submissions from 2 submitters: Uncertain significance (2). Last evaluated 2022-09-29.

Conditions:
RASopathy. Also called: Noonan spectrum disorder; rasopathies. Identifiers: Orphanet 536391, MedGen C5555857, MONDO:0021060.

Submissions (2):

Blueprint Genetics
Classification: Uncertain significance. Last evaluated: 2022-09-29. Review status: criteria provided, single submitter. Criteria: ACMG Guidelines, 2015. Collection method: clinical testing. Allele origin: germline.

Labcorp Genetics (formerly Invitae), Labcorp
Classification: Uncertain significance for RASopathy. Last evaluated: 2021-02-11. Review status: criteria provided, single submitter. Criteria: Invitae Variant Classification Sherloc (09022015). Collection method: clinical testing. Allele origin: germline.
Comment: In summary, the available evidence is currently insufficient to determine the role of this variant in disease. Therefore, it has been classified as a Variant of Uncertain Significance. Algorithms developed to predict the effect of missense changes on protein structure and function are either unavailable or do not agree on the potential impact of this missense change (SIFT: "Deleterious"; PolyPhen-2: "Probably Damaging"; Align-GVGD: "Class C0"). This variant has not been reported in the literature in individuals with SHOC2-related conditions. This variant is not present in population databases (ExAC no frequency). This sequence change replaces leucine with serine at codon 176 of the SHOC2 protein (p.Leu176Ser). The leucine residue is highly conserved and there is a large physicochemical difference between leucine and serine.

NM_007373.4(SHOC2):c.527T>C (p.Leu176Ser)

Gene: SHOC2 (SHOC2 leucine rich repeat scaffold protein; plus strand). Cytogenetic location: 10q25.2.
Variant type: single nucleotide variant.
Coding change: c.527T>C on transcript NM_007373.4 (MANE Select); coding-DNA position 527, T replaced by C.
Protein change: p.Leu176Ser; replaces leucine 176 with serine.
Molecular consequence: missense variant.
Genome position (GRCh38, 1-based): chr10:110,964,885, T>C. VCF-style: chr10-110964885-T-C. GRCh37 (hg19) VCF-style: chr10-112724643-T-C.
Other names: c.527T>C, p.Leu176Ser (NM_001269039.3, NM_001324336.2, NM_001324337.2); short protein forms L176S.
Identifiers: ClinVar variation 1467895 (VCV001467895.9), dbSNP rs2134121776, ClinGen allele CA378385839.